The following is an entry in ClinVar:

ClinVar aggregate classification (germline): Uncertain significance (1 of 4 stars; one submission).

Allele frequency attached by ClinVar (database versions not stated): gnomAD exomes below 0.00001; TOPMed below 0.00001.
gnomAD v4.1: 1 of 1,614,180 alleles (0.000062%); highest among the groups gnomAD compares: Non-Finnish European, 0.000085%; no homozygotes.

Submission:

GeneDx
Classification: Uncertain significance. Last evaluated: 2022-12-27. Review status: criteria provided, single submitter. Criteria: GeneDx Variant Classification Process June 2021. Collection method: clinical testing. Allele origin: germline. Affected: yes.
Comment: Not observed at significant frequency in large population cohorts (gnomAD); In silico analysis supports that this missense variant has a deleterious effect on protein structure/function; Has not been previously published as pathogenic or benign to our knowledge

NM_001368809.2(AMPD2):c.2348A>T (p.Asp783Val)

Gene: AMPD2 (adenosine monophosphate deaminase 2; plus strand). Cytogenetic location: 1p13.3.
Variant type: single nucleotide variant.
Coding change: c.2348A>T on transcript NM_001368809.2 (MANE Select); coding-DNA position 2348, A replaced by T.
Protein change: p.Asp783Val; replaces aspartic acid 783 with valine.
Molecular consequence: missense variant.
Genome position (GRCh38, 1-based): chr1:109,631,022, A>T. VCF-style: chr1-109631022-A-T. GRCh37 (hg19) VCF-style: chr1-110173644-A-T.
Other names: c.2510A>T (NM_001257360.1); c.2156A>T, p.Asp719Val (NM_001257361.2); c.2285A>T, p.Asp762Val (NM_001308170.1); c.2348A>T, p.Asp783Val (NM_004037.9); c.2267A>T, p.Asp756Val (NM_139156.4); short protein forms D719V, D756V, D762V, D783V.
Identifiers: ClinVar variation 2507244 (VCV002507244.1), dbSNP rs1651212559, ClinGen allele CA341563440.